The following is an entry in ClinVar:

ClinVar aggregate classification (germline): Uncertain significance (1 of 4 stars; one submission).

Conditions:
Familial thoracic aortic aneurysm and aortic dissection (TAAD). Also called: Thoracic aortic aneurysms and dissections. Identifiers: Orphanet 91387, MedGen C4707243, MONDO:0019625.

Submission:

Ambry Genetics
Classification: Uncertain significance for Familial thoracic aortic aneurysm and aortic dissection. Last evaluated: 2019-06-26. Review status: criteria provided, single submitter. Criteria: Ambry Variant Classification Scheme 2023. Collection method: clinical testing. Allele origin: germline.
Comment: The p.K1538E variant (also known as c.4612A>G), located in coding exon 27 of the FLNA gene, results from an A to G substitution at nucleotide position 4612. The lysine at codon 1538 is replaced by glutamic acid, an amino acid with similar properties. This amino acid position is well conserved in available vertebrate species. In addition, this alteration is predicted to be deleterious by in silico analysis. Since supporting evidence is limited at this time, the clinical significance of this alteration remains unclear.

NM_001110556.2(FLNA):c.4612A>G (p.Lys1538Glu)

Gene: FLNA (filamin A; minus strand). Cytogenetic location: Xq28.
Variant type: single nucleotide variant.
Coding change: c.4612A>G on transcript NM_001110556.2 (MANE Select); coding-DNA position 4612, A replaced by G.
Protein change: p.Lys1538Glu; replaces lysine 1538 with glutamic acid.
Molecular consequence: missense variant.
Genome position (GRCh38, 1-based): chrX:154,358,342, T>C on the plus strand (A>G on the coding strand, the complement: FLNA is on the minus strand). VCF-style: chrX-154358342-T-C. GRCh37 (hg19) VCF-style: chrX-153586710-T-C.
Other names: c.4612A>G, p.Lys1538Glu (NM_001456.4); short protein forms K1538E.
Identifiers: ClinVar variation 1741904 (VCV001741904.2), dbSNP rs2522735270, ClinGen allele CA415215099.